The following is an entry in ClinVar:

ClinVar aggregate classification (germline): Uncertain significance (1 of 4 stars; one submission).

Conditions:
Immunodeficiency, common variable, 7. Identifiers: Orphanet 1572, Orphanet 696894, MedGen C3542922, MONDO:0013862, OMIM 614699.

Allele frequency attached by ClinVar (database versions not stated): ExAC 0.00002; TOPMed 0.00001.
gnomAD v4.1: 18 of 1,614,000 alleles (0.0011%); highest among the groups gnomAD compares: South Asian, 0.011%; no homozygotes.

Submission:

Labcorp Genetics (formerly Invitae), Labcorp
Classification: Uncertain significance for Immunodeficiency, common variable, 7. Last evaluated: 2022-08-22. Review status: criteria provided, single submitter. Criteria: Invitae Variant Classification Sherloc (09022015). Collection method: clinical testing. Allele origin: germline.
Comment: In summary, the available evidence is currently insufficient to determine the role of this variant in disease. Therefore, it has been classified as a Variant of Uncertain Significance. Algorithms developed to predict the effect of missense changes on protein structure and function are either unavailable or do not agree on the potential impact of this missense change (SIFT: "Tolerated"; PolyPhen-2: "Probably Damaging"; Align-GVGD: "Class C0"). ClinVar contains an entry for this variant (Variation ID: 1011835). This variant has not been reported in the literature in individuals affected with CR2-related conditions. This variant is present in population databases (rs749471642, gnomAD 0.01%). This sequence change replaces arginine, which is basic and polar, with histidine, which is basic and polar, at codon 56 of the CR2 protein (p.Arg56His).

NM_001006658.3(CR2):c.167G>A (p.Arg56His)

Gene: CR2 (complement C3d receptor 2; plus strand). Cytogenetic location: 1q32.2.
Variant type: single nucleotide variant.
Coding change: c.167G>A on transcript NM_001006658.3 (MANE Select); coding-DNA position 167, G replaced by A.
Protein change: p.Arg56His; replaces arginine 56 with histidine.
Molecular consequence: missense variant.
Genome position (GRCh38, 1-based): chr1:207,466,634, G>A. VCF-style: chr1-207466634-G-A. GRCh37 (hg19) VCF-style: chr1-207639979-G-A.
Other names: c.167G>A, p.Arg56His (NM_001877.5); short protein forms R56H.
Identifiers: ClinVar variation 1011835 (VCV001011835.8), dbSNP rs749471642, ClinGen allele CA1368378.